The following is an entry in ClinVar:

ClinVar aggregate classification (germline): Benign/Likely benign. Review status: criteria provided, multiple submitters, no conflicts (2 of 4 stars). 4 submissions from 4 submitters: Benign (1); Likely benign (3). Last evaluated 2026-01-06.

Conditions:
Primary ciliary dyskinesia. Also called: Ciliary dyskinesia. Identifiers: Orphanet 244, MedGen C0008780, MONDO:0016575, HP:0012265.

Allele frequency attached by ClinVar (database versions not stated): ESP Exome Variant Server 0.00024; gnomAD 0.00026 and 0.00028; TOPMed 0.00029.
gnomAD v4.1: 427 of 1,613,694 alleles (0.026%); highest among the groups gnomAD compares: Non-Finnish European, 0.0091%; no homozygotes.

Submissions (4):

Labcorp Genetics (formerly Invitae), Labcorp
Classification: Benign for Primary ciliary dyskinesia. Last evaluated: 2026-01-06. Review status: criteria provided, single submitter. Criteria: Invitae Variant Classification Sherloc (09022015). Collection method: clinical testing. Allele origin: germline.

Blueprint Genetics
Classification: Likely benign. Last evaluated: 2024-11-18. Review status: criteria provided, single submitter. Criteria: ACMG Guidelines, 2015. Collection method: clinical testing. Allele origin: germline.

CeGaT Center for Human Genetics Tuebingen
Classification: Likely benign. Last evaluated: 2024-02-01. Review status: criteria provided, single submitter. Criteria: CeGaT Center For Human Genetics Tuebingen Variant Classification Criteria Version 2. Collection method: clinical testing. Allele origin: germline. Affected: yes. Observed: 3 variant alleles.
Comment: DNAH11: BP4, BP7

Ambry Genetics
Classification: Likely benign for Primary ciliary dyskinesia. Last evaluated: 2017-05-16. Review status: criteria provided, single submitter. Criteria: Ambry Variant Classification Scheme 2023. Collection method: clinical testing. Allele origin: germline.

NM_001277115.2(DNAH11):c.8973G>A (p.Thr2991=)

Gene: DNAH11 (dynein axonemal heavy chain 11; plus strand). Cytogenetic location: 7p15.3.
Variant type: single nucleotide variant.
Coding change: c.8973G>A on transcript NM_001277115.2 (MANE Select); coding-DNA position 8973, G replaced by A.
Protein change: p.Thr2991=; no amino-acid change (threonine 2991 retained).
Molecular consequence: synonymous variant.
Genome position (GRCh38, 1-based): chr7:21,765,460, G>A. VCF-style: chr7-21765460-G-A. GRCh37 (hg19) VCF-style: chr7-21805078-G-A.
Identifiers: ClinVar variation 359663 (VCV000359663.42), dbSNP rs200978576, ClinGen allele CA4181809.